The following is an entry in ClinVar:

NM_001235.5(SERPINH1):c.774G>A (p.Met258Ile)

Gene: SERPINH1 (serpin family H member 1; plus strand). Cytogenetic location: 11q13.5.
Variant type: single nucleotide variant.
Coding change: c.774G>A on transcript NM_001235.5 (MANE Select); coding-DNA position 774, G replaced by A.
Protein change: p.Met258Ile; replaces methionine 258 with isoleucine.
Molecular consequence: missense variant.
Genome position (GRCh38, 1-based): chr11:75,568,991, G>A. VCF-style: chr11-75568991-G-A. GRCh37 (hg19) VCF-style: chr11-75280036-G-A.
Other names: c.774G>A, p.Met258Ile (NM_001207014.3); short protein forms M258I.
Identifiers: ClinVar variation 2682636 (VCV002682636.1), dbSNP rs1249374274, ClinGen allele CA381891600.

ClinVar aggregate classification (germline): Uncertain significance (1 of 4 stars; one submission).

Allele frequency attached by ClinVar (database versions not stated): gnomAD exomes 0.00001.

Submission:

Women's Health and Genetics/Laboratory Corporation of America, LabCorp
Classification: Uncertain significance. Last evaluated: 2023-11-20. Review status: criteria provided, single submitter. Criteria: LabCorp Variant Classification Summary - May 2015. Collection method: clinical testing. Allele origin: germline.
Comment: Variant summary: SERPINH1 c.774G>A (p.Met258Ile) results in a conservative amino acid change located in the Serpin domain (IPR023796) of the encoded protein sequence. Three of four in-silico tools predict a benign effect of the variant on protein function. The variant allele was found at a frequency of 1.2e-05 in 251406 control chromosomes (gnomAD). The available data on variant occurrences in the general population are insufficient to allow any conclusion about variant significance. To our knowledge, no occurrence of c.774G>A in individuals affected with Osteogenesis Imperfecta Type 10 and no experimental evidence demonstrating its impact on protein function have been reported. No submitters have cited clinical-significance assessments for this variant to ClinVar after 2014. Based on the evidence outlined above, the variant was classified as uncertain significance.